The following is an entry in ClinVar:

NM_001134363.3(RBM20):c.2899A>G (p.Lys967Glu)

Gene: RBM20 (RNA binding motif protein 20; plus strand). Cytogenetic location: 10q25.2.
Variant type: single nucleotide variant.
Coding change: c.2899A>G on transcript NM_001134363.3 (MANE Select); coding-DNA position 2899, A replaced by G.
Protein change: p.Lys967Glu; replaces lysine 967 with glutamic acid.
Molecular consequence: missense variant.
Genome position (GRCh38, 1-based): chr10:110,821,518, A>G. VCF-style: chr10-110821518-A-G. GRCh37 (hg19) VCF-style: chr10-112581276-A-G.
Other names: short protein forms K967E.
Identifiers: ClinVar variation 4151594 (VCV004151594.1).

ClinVar aggregate classification (germline): Uncertain significance (1 of 4 stars; one submission).

Conditions:
Cardiovascular phenotype. Identifiers: MedGen CN230736.

Submission:

Ambry Genetics
Classification: Uncertain significance for Cardiovascular phenotype. Last evaluated: 2025-07-29. Review status: criteria provided, single submitter. Criteria: Ambry Variant Classification Scheme 2023. Collection method: clinical testing. Allele origin: germline.
Comment: The p.K967E variant (also known as c.2899A>G), located in coding exon 11 of the RBM20 gene, results from an A to G substitution at nucleotide position 2899. The lysine at codon 967 is replaced by glutamic acid, an amino acid with similar properties. This amino acid position is conserved. In addition, this alteration is predicted to be tolerated by in silico analysis. Based on the available evidence, the clinical significance of this variant remains unclear.